The following is an entry in ClinVar:

ClinVar aggregate classification (germline): Uncertain significance (1 of 4 stars; one submission).

gnomAD v4.1: 1 of 1,614,008 alleles (0.000062%); highest among the groups gnomAD compares: Non-Finnish European, 0.000085%; no homozygotes.

Submission:

GeneDx
Classification: Uncertain significance. Last evaluated: 2022-12-10. Review status: criteria provided, single submitter. Criteria: GeneDx Variant Classification Process June 2021. Collection method: clinical testing. Allele origin: germline. Affected: yes.
Comment: Not observed at significant frequency in large population cohorts (gnomAD); In silico analysis supports that this missense variant has a deleterious effect on protein structure/function; Has not been previously published as pathogenic or benign to our knowledge

NM_001378183.1(PIEZO2):c.8320A>G (p.Ser2774Gly)

Gene: PIEZO2 (piezo type mechanosensitive ion channel component 2; minus strand). Cytogenetic location: 18p11.22.
Variant type: single nucleotide variant.
Coding change: c.8320A>G on transcript NM_001378183.1 (MANE Select); coding-DNA position 8320, A replaced by G.
Protein change: p.Ser2774Gly; replaces serine 2774 with glycine.
Molecular consequence: missense variant.
Genome position (GRCh38, 1-based): chr18:10,672,715, T>C on the plus strand (A>G on the coding strand, the complement: PIEZO2 is on the minus strand). VCF-style: chr18-10672715-T-C. GRCh37 (hg19) VCF-style: chr18-10672712-T-C.
Other names: c.8056A>G, p.Ser2686Gly (NM_001410871.1); c.7981A>G, p.Ser2661Gly (NM_022068.4); short protein forms S2661G, S2686G, S2774G.
Identifiers: ClinVar variation 2505057 (VCV002505057.1), dbSNP rs1598338160, ClinGen allele CA401912586.
Genomic context (GRCh38, chr18:10,672,715, plus strand): 5'-CTCTTGTAACTGTGAATTGTTCAATGAGTCCTTACCCATAGCCAGCCAGGAACCCCAGAC[T>C]TGGGGGACTGACTTTGTCATTGAAGACCACCAGTTCCAGGGCCTGAGAGTTCGGATTGTA-3'
Protein context (NP_001365112.1, residues 2764-2784): VVFNDKVSPP[Ser2774Gly]LGFLAGYGIM